The following is an entry in ClinVar:

ClinVar aggregate classification (germline): Uncertain significance (1 of 4 stars; one submission).

Allele frequency attached by ClinVar (database versions not stated): gnomAD exomes 0.00003; TOPMed 0.00003; gnomAD 0.00005.

Submission:

Labcorp Genetics (formerly Invitae), Labcorp
Classification: Uncertain significance. Last evaluated: 2024-04-22. Review status: criteria provided, single submitter. Criteria: Invitae Variant Classification Sherloc (09022015). Collection method: clinical testing. Allele origin: germline.
Comment: This sequence change replaces serine, which is neutral and polar, with arginine, which is basic and polar, at codon 59 of the BMP2 protein (p.Ser59Arg). This variant is present in population databases (no rsID available, gnomAD 0.0009%). This variant has not been reported in the literature in individuals affected with BMP2-related conditions. An algorithm developed to predict the effect of missense changes on protein structure and function (PolyPhen-2) suggests that this variant is likely to be disruptive. In summary, the available evidence is currently insufficient to determine the role of this variant in disease. Therefore, it has been classified as a Variant of Uncertain Significance.

NM_001200.4(BMP2):c.177C>A (p.Ser59Arg)

Gene: BMP2 (bone morphogenetic protein 2; plus strand). Cytogenetic location: 20p12.3.
Variant type: single nucleotide variant.
Coding change: c.177C>A on transcript NM_001200.4 (MANE Select); coding-DNA position 177, C replaced by A.
Protein change: p.Ser59Arg; replaces serine 59 with arginine.
Molecular consequence: missense variant.
Genome position (GRCh38, 1-based): chr20:6,770,303, C>A. VCF-style: chr20-6770303-C-A. GRCh37 (hg19) VCF-style: chr20-6750950-C-A.
Other names: short protein forms S59R.
Identifiers: ClinVar variation 2887117 (VCV002887117.3), dbSNP rs1008638475, ClinGen allele CA311471110.
Genomic context (GRCh38, chr20:6,770,303, plus strand): 5'-CCGCCCCTCATCCCAGCCCTCTGACGAGGTCCTGAGCGAGTTCGAGTTGCGGCTGCTCAG[C>A]ATGTTCGGCCTGAAACAGAGACCCACCCCCAGCAGGGACGCCGTGGTGCCCCCCTACATG-3'
Protein context (NP_001191.1, residues 49-69): VLSEFELRLL[Ser59Arg]MFGLKQRPTP